The following is an entry in ClinVar:

NM_000426.4(LAMA2):c.9269_9283dup (p.Thr3094_Lys3095insThrLeuLysLeuThr)

Gene: LAMA2 (laminin subunit alpha 2; plus strand). Cytogenetic location: 6q22.33.
Variant type: Duplication.
Coding change: c.9269_9283dup on transcript NM_000426.4 (MANE Select); coding-DNA positions 9269 to 9283, 15 bases duplicated (CCCTGAAGCTCACCA).
Protein change: p.Thr3094_Lys3095insThrLeuLysLeuThr.
Molecular consequence: inframe insertion.
Genome position (GRCh38, 1-based): chr6:129,516,247-129,516,261, CCCTGAAGCTCACCA duplicated. VCF-style (leftmost placement, unchanged base first): chr6-129516246-T-TCCCTGAAGCTCACCA. GRCh37 (hg19) VCF-style: chr6-129837391-T-TCCCTGAAGCTCACCA.
Other names: c.9269_9283dupCCCTGAAGCTCACCA (NM_000426.3); c.9257_9271dup, p.Thr3090_Lys3091insThrLeuLysLeuThr (NM_001079823.2); c.9269_9283dup (NM_000426.3).
Identifiers: ClinVar variation 503889 (VCV000503889.3), dbSNP rs1554321191, ClinGen allele CA658796820.

ClinVar aggregate classification (germline): Uncertain significance (1 of 4 stars; one submission).

Allele frequency attached by ClinVar (database versions not stated): gnomAD exomes below 0.00001.

Submission:

GeneDx
Classification: Uncertain significance. Last evaluated: 2025-06-24. Review status: criteria provided, single submitter. Criteria: GeneDx Variant Classification Process June 2021. Collection method: clinical testing. Allele origin: germline. Affected: yes.
Comment: Not observed at significant frequency in large population cohorts (gnomAD); In-frame insertion of 5 amino acid(s) in a non-repeat region; In silico analysis supports a deleterious effect on protein structure/function; Has not been previously published as pathogenic or benign to our knowledge